The following is an entry in ClinVar:

ClinVar aggregate classification (germline): Uncertain significance (1 of 4 stars; one submission).

gnomAD v4.1: 1 of 1,610,580 alleles (0.000062%); highest among the groups gnomAD compares: Non-Finnish European, 0.000085%; no homozygotes.

Submission:

CeGaT Center for Human Genetics Tuebingen
Classification: Uncertain significance. Last evaluated: 2024-10-01. Review status: criteria provided, single submitter. Criteria: CeGaT Center For Human Genetics Tuebingen Variant Classification Criteria Version 2. Collection method: clinical testing. Allele origin: germline. Affected: yes. Observed: 1 variant allele.
Comment: USH2A: PM2, BP4

NM_206933.4(USH2A):c.652-7C>G

Gene: USH2A (usherin; minus strand). Cytogenetic location: 1q41.
Variant type: single nucleotide variant.
Coding change: c.652-7C>G on transcript NM_206933.4 (MANE Select); 7 bases into the intron before coding-DNA position 652, C replaced by G.
Molecular consequence: intron variant.
Genome position (GRCh38, 1-based): chr1:216,365,092, G>C on the plus strand (C>G on the coding strand, the complement: USH2A is on the minus strand). VCF-style: chr1-216365092-G-C. GRCh37 (hg19) VCF-style: chr1-216538434-G-C.
Other names: c.652-7C>G (NM_007123.6).
Identifiers: ClinVar variation 3389844 (VCV003389844.14).
Genomic context (GRCh38, chr1:216,365,092, plus strand): 5'-TGTATGATCCTTCTCCACGCCATTGATAAAGAAGCTGATTTTTGTCTGATGCACCTGTAA[G>C]AAATTACCACCATTATTAGTTTAAGTGCATAAACTTTTATTTTATATTAAACACATTTCA-3'